The following is an entry in ClinVar:

NM_004656.4(BAP1):c.1527G>A (p.Ser509=)

Gene: BAP1 (BRCA1 associated deubiquitinase 1; minus strand). Cytogenetic location: 3p21.1.
Variant type: single nucleotide variant.
Coding change: c.1527G>A on transcript NM_004656.4 (MANE Select); coding-DNA position 1527, G replaced by A.
Protein change: p.Ser509=; no amino-acid change (serine 509 retained).
Molecular consequence: synonymous variant.
Genome position (GRCh38, 1-based): chr3:52,403,618, C>T on the plus strand (G>A on the coding strand, the complement: BAP1 is on the minus strand). VCF-style: chr3-52403618-C-T. GRCh37 (hg19) VCF-style: chr3-52437634-C-T.
Identifiers: ClinVar variation 539940 (VCV000539940.16), dbSNP rs756500771, ClinGen allele CA74740723.
Genomic context (GRCh38, chr3:52,403,618, plus strand): 5'-CTTGGAGATGTGGGAGGTGACAGGGCTGGAGGGCCGCGTCGGGTTGGCTGAGCGGATAGG[C>T]GAGCGCAGTGGCGAGTTGAAAGCACTGCCGATCTCAGAGGCCGTGTCTGTACTCTCATTG-3'
Protein context (NP_004647.1, residues 499-519): IGSAFNSPLR[Ser509=]PIRSANPTRP

ClinVar aggregate classification (germline): Benign/Likely benign. Review status: criteria provided, multiple submitters, no conflicts (2 of 4 stars). 6 submissions from 6 submitters: Benign (1); Likely benign (5). Last evaluated 2025-10-26.

Conditions:
Hereditary cancer-predisposing syndrome. Also called: Neoplastic Syndromes, Hereditary; Hereditary Cancer Syndrome; Hereditary neoplastic syndrome; Tumor predisposition. Identifiers: Orphanet 140162, MedGen C0027672, MeSH D009386, MONDO:0015356.
BAP1-related tumor predisposition syndrome (TPDS1). Also called: COMMON Syndrome; TUMOR PREDISPOSITION SYNDROME 1; BAP1 tumor predisposition syndrome; Tumor susceptibility linked to germline BAP1 mutations. Identifiers: Orphanet 289539, MedGen C3280492, MONDO:0013692, OMIM 614327.

Allele frequency attached by ClinVar (database versions not stated): gnomAD exomes 0.00001; gnomAD 0.00002 and 0.00003; TOPMed 0.00002.
gnomAD v4.1: 17 of 1,614,058 alleles (0.0011%); highest among the groups gnomAD compares: Middle Eastern, 0.017%; no homozygotes.

Submissions (6):

Labcorp Genetics (formerly Invitae), Labcorp
Classification: Likely benign for BAP1-related tumor predisposition syndrome. Last evaluated: 2025-10-26. Review status: criteria provided, single submitter. Criteria: Invitae Variant Classification Sherloc (09022015). Collection method: clinical testing. Allele origin: germline.

Quest Diagnostics Nichols Institute San Juan Capistrano
Classification: Likely benign. Last evaluated: 2025-05-13. Review status: criteria provided, single submitter. Criteria: Quest Diagnostics criteria. Collection method: clinical testing. Allele origin: unknown.

Myriad Genetics, Inc.
Classification: Benign for BAP1-related tumor predisposition syndrome. Last evaluated: 2024-07-16. Review status: criteria provided, single submitter. Criteria: Myriad Autosomal Dominant, Autosomal Recessive and X-Linked Classification Criteria (2023). Collection method: clinical testing. Allele origin: unknown.
Comment: This variant is considered benign. This variant is a silent/synonymous amino acid change and it is not expected to impact splicing.

Ambry Genetics
Classification: Likely benign for Hereditary cancer-predisposing syndrome. Last evaluated: 2020-03-23. Review status: criteria provided, single submitter. Criteria: Ambry Variant Classification Scheme 2023. Collection method: clinical testing. Allele origin: germline.

GeneDx
Classification: Likely benign. Last evaluated: 2018-09-20. Review status: criteria provided, single submitter. Criteria: GeneDx Variant Classification Process June 2021. Collection method: clinical testing. Allele origin: germline. Affected: yes.

Color Diagnostics, LLC DBA Color Health
Classification: Likely benign for Hereditary cancer-predisposing syndrome. Last evaluated: 2018-07-03. Review status: criteria provided, single submitter. Criteria: ACMG Guidelines, 2015. Collection method: clinical testing. Allele origin: germline.